The following is an entry in ClinVar:

NM_024642.5(GALNT12):c.470A>G (p.Tyr157Cys)

Gene: GALNT12 (polypeptide N-acetylgalactosaminyltransferase 12; plus strand). Cytogenetic location: 9q22.33.
Variant type: single nucleotide variant.
Coding change: c.470A>G on transcript NM_024642.5 (MANE Select); coding-DNA position 470, A replaced by G.
Protein change: p.Tyr157Cys; replaces tyrosine 157 with cysteine.
Molecular consequence: missense variant.
Genome position (GRCh38, 1-based): chr9:98,823,354, A>G. VCF-style: chr9-98823354-A-G. GRCh37 (hg19) VCF-style: chr9-101585636-A-G.
Other names: short protein forms Y157C.
Identifiers: ClinVar variation 4261506 (VCV004261506.1).

ClinVar aggregate classification (germline): Uncertain significance (1 of 4 stars; one submission).

Submission:

Ambry Genetics
Classification: Uncertain significance. Last evaluated: 2025-08-25. Review status: criteria provided, single submitter. Criteria: Ambry Variant Classification Scheme 2023. Collection method: clinical testing. Allele origin: germline.
Comment: The p.Y157C variant (also known as c.470A>G), located in coding exon 2 of the GALNT12 gene, results from an A to G substitution at nucleotide position 470. The tyrosine at codon 157 is replaced by cysteine, an amino acid with highly dissimilar properties. This amino acid position is conserved. In addition, the in silico prediction for this alteration is inconclusive. Based on the available evidence, the clinical significance of this variant remains unclear.